The following is an entry in ClinVar:

NM_000503.6(EYA1):c.1597+1G>A

Gene: EYA1 (EYA transcriptional coactivator and phosphatase 1; minus strand). Cytogenetic location: 8q13.3.
Variant type: single nucleotide variant.
Coding change: c.1597+1G>A on transcript NM_000503.6 (MANE Select); the canonical splice donor site of the intron after coding-DNA position 1597, G replaced by A.
Molecular consequence: splice donor variant.
Genome position (GRCh38, 1-based): chr8:71,215,386, C>T on the plus strand (G>A on the coding strand, the complement: EYA1 is on the minus strand). VCF-style: chr8-71215386-C-T. GRCh37 (hg19) VCF-style: chr8-72127621-C-T.
Other names: c.1576+1G>A (NM_001370336.1); c.1684+1G>A (NM_001370333.1); c.1597+1G>A (NM_001370335.1, NM_001370334.1, NM_172058.4); c.1579+1G>A (NM_172059.5, NM_001288574.2); c.1498+1G>A (NM_001411797.1, NM_172060.4); c.1231+1G>A (NM_001288575.2).
Identifiers: ClinVar variation 562334 (VCV000562334.5), dbSNP rs1563630117, ClinGen allele CA371466043.

ClinVar aggregate classification (germline): Pathogenic/Likely pathogenic. Review status: criteria provided, multiple submitters, no conflicts (2 of 4 stars). 3 submissions from 3 submitters: Pathogenic (1); Likely pathogenic (1). 1 of the submissions does not count toward it. Last evaluated 2022-05-04.

Conditions:
Melnick-Fraser syndrome (BOR). Also called: Branchiootorenal syndrome; Branchio-oto-renal syndrome; Branchiootorenal Syndrome (BORS). Identifiers: Orphanet 107, MedGen C0265234, MONDO:0007029.
Branchiootic syndrome 1 (BOS1). Also called: BO SYNDROME 1; BRANCHIOOTIC DYSPLASIA. Identifiers: MedGen C1865143, MONDO:0011258, OMIM 602588.
Otofaciocervical syndrome 1 (OTFCS). Identifiers: MedGen C3714941, MONDO:0024532, OMIM 166780.
Branchiootorenal syndrome 1. Also called: Branchio-Oto-Renal Syndrome 1. Identifiers: Orphanet 107, MedGen C4551702, MONDO:0007236, OMIM 113650.

Submissions (3):

Fulgent Genetics
Classification: Likely pathogenic for Branchiootorenal syndrome 1; Otofaciocervical syndrome 1; Branchiootic syndrome 1. Last evaluated: 2022-05-04. Review status: criteria provided, single submitter. Criteria: ACMG Guidelines, 2015. Collection method: clinical testing. Allele origin: unknown.

Juno Genomics, Hangzhou Juno Genomics, Inc
Classification: Pathogenic for Branchiootic syndrome 1. Review status: criteria provided, single submitter. Criteria: ACMG Guidelines, 2015. Collection method: clinical testing. Allele origin: germline. Affected: yes.
Comment: Absent from controls (or at extremely low frequency if recessive) in Genome Aggregation Database, Exome Sequencing Project, 1000 Genomes Project, or Exome Aggregation Consortium.;Null variant in a gene where loss of function (LOF) is a known mechanism of disease.;Patient's phenotype or family history is highly specific for a disease with a single genetic etiology.

Gharavi Laboratory, Columbia University
Classification: Likely pathogenic for Branchio-oto-renal syndrome. Last evaluated: 2024-11-05. Review status: no assertion criteria provided. Criteria: ACMG Guidelines, 2015. Collection method: case-control. Allele origin: germline. Affected: yes. Not counted in ClinVar's aggregate classification.